The following is an entry in ClinVar:

NM_000288.4(PEX7):c.611G>A (p.Cys204Tyr)

Gene: PEX7 (peroxisomal biogenesis factor 7; plus strand). Cytogenetic location: 6q23.3.
Variant type: single nucleotide variant.
Coding change: c.611G>A on transcript NM_000288.4 (MANE Select); coding-DNA position 611, G replaced by A.
Protein change: p.Cys204Tyr; replaces cysteine 204 with tyrosine.
Molecular consequence: missense variant.
Genome position (GRCh38, 1-based): chr6:136,866,711, G>A. VCF-style: chr6-136866711-G-A. GRCh37 (hg19) VCF-style: chr6-137187849-G-A.
Other names: short protein forms C204Y.
Identifiers: ClinVar variation 1393227 (VCV001393227.3), dbSNP rs368435862, ClinGen allele CA4017664.
Genomic context (GRCh38, chr6:136,866,711, plus strand): 5'-ATGTGAAGGCAGCAGGAGTAAGAATCGTGATTCCTGCACATCAGGCAGAAATCTTGAGTT[G>A]TGACTGGTGTAAATACAATGAGGTATAGTGTATGGCTCTATCCTATGCTGCTGTCCTTCC-3'
Protein context (NP_000279.1, residues 194-214): IPAHQAEILS[Cys204Tyr]DWCKYNENLL

ClinVar aggregate classification (germline): Uncertain significance (1 of 4 stars; one submission).

Conditions:
Peroxisome biogenesis disorder 9B. Also called: PEX7-Related Refsum Disease; PEROXISOME BIOGENESIS DISORDER, PEX7-RELATED, ATYPICAL; Refsum disease, adult, 2. Identifiers: Orphanet 773, MedGen C2749346, MONDO:0013945, OMIM 614879.

Allele frequency attached by ClinVar (database versions not stated): gnomAD 0.00001; TOPMed 0.00001; gnomAD exomes 0.00002 and 0.00008; ExAC 0.00008; ESP Exome Variant Server 0.00015.
gnomAD v4.1: 38 of 1,613,746 alleles (0.0024%); highest among the groups gnomAD compares: South Asian, 0.03%; no homozygotes.

Submission:

Labcorp Genetics (formerly Invitae), Labcorp
Classification: Uncertain significance for Peroxisome biogenesis disorder 9B. Last evaluated: 2022-06-28. Review status: criteria provided, single submitter. Criteria: Invitae Variant Classification Sherloc (09022015). Collection method: clinical testing. Allele origin: germline.
Comment: This sequence change replaces cysteine, which is neutral and slightly polar, with tyrosine, which is neutral and polar, at codon 204 of the PEX7 protein (p.Cys204Tyr). This variant is present in population databases (rs368435862, gnomAD 0.05%). This variant has not been reported in the literature in individuals affected with PEX7-related conditions. Algorithms developed to predict the effect of missense changes on protein structure and function (SIFT, PolyPhen-2, Align-GVGD) all suggest that this variant is likely to be disruptive. In summary, the available evidence is currently insufficient to determine the role of this variant in disease. Therefore, it has been classified as a Variant of Uncertain Significance.